The following is an entry in ClinVar:

NM_000368.5(TSC1):c.2547C>A (p.Asn849Lys)

Gene: TSC1 (TSC complex subunit 1; minus strand). Cytogenetic location: 9q34.13.
Variant type: single nucleotide variant.
Coding change: c.2547C>A on transcript NM_000368.5 (MANE Select); coding-DNA position 2547, C replaced by A.
Protein change: p.Asn849Lys; replaces asparagine 849 with lysine.
Molecular consequence: missense variant.
Genome position (GRCh38, 1-based): chr9:132,900,793, G>T on the plus strand (C>A on the coding strand, the complement: TSC1 is on the minus strand). VCF-style: chr9-132900793-G-T. GRCh37 (hg19) VCF-style: chr9-135776180-G-T.
Other names: c.2544C>A, p.Asn848Lys (NM_001162426.2); c.2394C>A, p.Asn798Lys (NM_001162427.2); c.2184C>A, p.Asn728Lys (NM_001362177.2); short protein forms N798K, N849K, N848K, N728K.
Identifiers: ClinVar variation 1492799 (VCV001492799.8), dbSNP rs1554814418, ClinGen allele CA375370167.

ClinVar aggregate classification (germline): Uncertain significance (1 of 4 stars; one submission).

Conditions:
Tuberous sclerosis 1 (TSC1). Identifiers: Orphanet 805, MedGen C1854465, MONDO:0008612, OMIM 191100.

Submission:

Labcorp Genetics (formerly Invitae), Labcorp
Classification: Uncertain significance for Tuberous sclerosis 1. Last evaluated: 2022-09-14. Review status: criteria provided, single submitter. Criteria: Invitae Variant Classification Sherloc (09022015). Collection method: clinical testing. Allele origin: germline.
Comment: Advanced modeling of protein sequence and biophysical properties (such as structural, functional, and spatial information, amino acid conservation, physicochemical variation, residue mobility, and thermodynamic stability) performed at Invitae indicates that this missense variant is not expected to disrupt TSC1 protein function. ClinVar contains an entry for this variant (Variation ID: 1492799). This variant has not been reported in the literature in individuals affected with TSC1-related conditions. This variant is not present in population databases (gnomAD no frequency). This sequence change replaces asparagine, which is neutral and polar, with lysine, which is basic and polar, at codon 849 of the TSC1 protein (p.Asn849Lys). In summary, the available evidence is currently insufficient to determine the role of this variant in disease. Therefore, it has been classified as a Variant of Uncertain Significance.